The following is an entry in ClinVar:

ClinVar aggregate classification (germline): Benign/Likely benign. Review status: criteria provided, multiple submitters, no conflicts (2 of 4 stars). 2 submissions from 2 submitters: Benign (1); Likely benign (1). Last evaluated 2026-02-02.

Conditions:
Atrial fibrillation, familial, 6 (ATFB6). Identifiers: MedGen C2677294, MONDO:0012816, OMIM 612201.

Allele frequency attached by ClinVar (database versions not stated): gnomAD exomes 0.00055; ExAC 0.00068; 1000 Genomes Project 0.00160; 1000 Genomes Project 30x 0.00172; gnomAD 0.00200 and 0.00217; ESP Exome Variant Server 0.00215; TOPMed 0.00224.

Submissions (2):

Labcorp Genetics (formerly Invitae), Labcorp
Classification: Likely benign for Atrial fibrillation, familial, 6. Last evaluated: 2026-02-02. Review status: criteria provided, single submitter. Criteria: Invitae Variant Classification Sherloc (09022015). Collection method: clinical testing. Allele origin: germline.

Women's Health and Genetics/Laboratory Corporation of America, LabCorp
Classification: Benign. Last evaluated: 2018-01-15. Review status: criteria provided, single submitter. Criteria: LabCorp Variant Classification Summary - May 2015. Collection method: clinical testing. Allele origin: germline.
Comment: Variant summary: The NPPA c.83T>C (p.Met28Thr) variant involves the alteration of a non-conserved nucleotide. 2/4 in silico tools predict a benign outcome for this variant (SNPsandGO not captured due to low reliability index). This variant was found in 181/277216 control chromosomes (1 homozygote) from all ethnicities, but was predominantly observed in the African subpopulation at a frequency of 0.006452 (155/24022; 1 homozygote). This frequency is about 645 times the estimated maximal expected allele frequency of a pathogenic NPPA variant (0.00001), suggesting this is likely a benign polymorphism found primarily in the populations of African origin. One clinical diagnostic laboratory classified this variant as likely benign. The variant of interest has not, to our knowledge, been reported in affected individuals via publications, nor evaluated for functional impact by in vivo/vitro studies. Taken together, this variant is classified as benign.

NM_006172.4(NPPA):c.83T>C (p.Met28Thr)

Genes: NPPA (natriuretic peptide A; minus strand), NPPA-AS1 (NPPA antisense RNA 1; plus strand), LOC114827827 (VISTA enhancer hs2123; plus strand). Cytogenetic location: 1p36.22.
Variant type: single nucleotide variant.
Coding change: c.83T>C on transcript NM_006172.4 (MANE Select); coding-DNA position 83, T replaced by C.
Protein change: p.Met28Thr; replaces methionine 28 with threonine.
Molecular consequence: missense variant. On other transcripts: non-coding transcript variant (1).
Genome position (GRCh38, 1-based): chr1:11,847,602, A>G on the plus strand (T>C on the coding strand, the complement: NPPA is on the minus strand). VCF-style: chr1-11847602-A-G. GRCh37 (hg19) VCF-style: chr1-11907659-A-G.
Other names: c.83T>C (LRG_751t1); short protein forms M28T.
Identifiers: ClinVar variation 415934 (VCV000415934.13), dbSNP rs142116829, ClinGen allele CA597115.